The following is an entry in ClinVar:

ClinVar aggregate classification (germline): Uncertain significance. Review status: criteria provided, multiple submitters, no conflicts (2 of 4 stars). 2 submissions from 2 submitters: Uncertain significance (2). Last evaluated 2025-09-18.

Conditions:
Hereditary cancer-predisposing syndrome. Also called: Tumor predisposition; Hereditary neoplastic syndrome; Hereditary Cancer Syndrome; Neoplastic Syndromes, Hereditary. Identifiers: Orphanet 140162, MedGen C0027672, MeSH D009386, MONDO:0015356.
EGFR-related lung cancer (EGFR). Identifiers: MedGen CN130014.

gnomAD v4.1: 6 of 1,515,100 alleles (0.0004%); highest among the groups gnomAD compares: Non-Finnish European, 0.00044%; no homozygotes.

Submissions (2):

Ambry Genetics
Classification: Uncertain significance for Hereditary cancer-predisposing syndrome. Last evaluated: 2025-09-18. Review status: criteria provided, single submitter. Criteria: Ambry Variant Classification Scheme 2023. Collection method: clinical testing. Allele origin: germline.
Comment: The p.G8E variant (also known as c.23G>A), located in coding exon 1 of the EGFR gene, results from a G to A substitution at nucleotide position 23. The glycine at codon 8 is replaced by glutamic acid, an amino acid with similar properties. This amino acid position is not well conserved in available vertebrate species. In addition, this alteration is predicted to be tolerated by in silico analysis. Based on the available evidence, the clinical significance of this variant remains unclear.

Labcorp Genetics (formerly Invitae), Labcorp
Classification: Uncertain significance for EGFR-related lung cancer. Last evaluated: 2023-09-03. Review status: criteria provided, single submitter. Criteria: Invitae Variant Classification Sherloc (09022015). Collection method: clinical testing. Allele origin: germline.
Comment: This sequence change replaces glycine, which is neutral and non-polar, with glutamic acid, which is acidic and polar, at codon 8 of the EGFR protein (p.Gly8Glu). In summary, the available evidence is currently insufficient to determine the role of this variant in disease. Therefore, it has been classified as a Variant of Uncertain Significance. An algorithm developed to predict the effect of missense changes on protein structure and function (PolyPhen-2) suggests that this variant is likely to be tolerated. This variant has not been reported in the literature in individuals affected with EGFR-related conditions. This variant is not present in population databases (gnomAD no frequency).

NM_005228.5(EGFR):c.23G>A (p.Gly8Glu)

Gene: EGFR (epidermal growth factor receptor; plus strand). Cytogenetic location: 7p11.2.
Variant type: single nucleotide variant.
Coding change: c.23G>A on transcript NM_005228.5 (MANE Select); coding-DNA position 23, G replaced by A.
Protein change: p.Gly8Glu; replaces glycine 8 with glutamic acid.
Molecular consequence: missense variant.
Genome position (GRCh38, 1-based): chr7:55,019,300, G>A. VCF-style: chr7-55019300-G-A. GRCh37 (hg19) VCF-style: chr7-55086993-G-A.
Other names: c.23G>A, p.Gly8Glu (NM_001346897.2, NM_001346898.2, NM_001346899.2 and 4 more transcripts); short protein forms G8E.
Identifiers: ClinVar variation 3022603 (VCV003022603.4), dbSNP rs1786368377, ClinGen allele CA367611197.
Genomic context (GRCh38, chr7:55,019,300, plus strand): 5'-GATCGGGAGAGCCGGAGCGAGCTCTTCGGGGAGCAGCGATGCGACCCTCCGGGACGGCCG[G>A]GGCAGCGCTCCTGGCGCTGCTGGCTGCGCTCTGCCCGGCGAGTCGGGCTCTGGAGGAAAA-3'
Protein context (NP_005219.2, residues 1-18): MRPSGTA[Gly8Glu]AALLALLAAL